The following is an entry in ClinVar:

NM_000038.6(APC):c.3710A>G (p.Gln1237Arg)

Gene: APC (APC regulator of Wnt signaling pathway; plus strand). Cytogenetic location: 5q22.2.
Variant type: single nucleotide variant.
Coding change: c.3710A>G on transcript NM_000038.6 (MANE Select); coding-DNA position 3710, A replaced by G.
Protein change: p.Gln1237Arg; replaces glutamine 1237 with arginine.
Molecular consequence: missense variant.
Genome position (GRCh38, 1-based): chr5:112,839,304, A>G. VCF-style: chr5-112839304-A-G. GRCh37 (hg19) VCF-style: chr5-112175001-A-G.
Other names: c.3710A>G, p.Gln1237Arg (NM_001127510.3, NM_001354895.2); c.3656A>G, p.Gln1219Arg (NM_001127511.3); c.3764A>G, p.Gln1255Arg (NM_001354896.2); c.3740A>G, p.Gln1247Arg (NM_001354897.2); c.3635A>G, p.Gln1212Arg (NM_001354898.2); c.3626A>G, p.Gln1209Arg (NM_001354899.2); c.3587A>G, p.Gln1196Arg (NM_001354900.2); c.3533A>G, p.Gln1178Arg (NM_001354901.2); and 5 more; short protein forms Q1219R, Q1237R, Q1111R, Q1146R, Q1178R, Q1247R, Q1255R, Q954R.
Identifiers: ClinVar variation 490268 (VCV000490268.7), dbSNP rs1554085251, ClinGen allele CA16029473.
Genomic context (GRCh38, chr5:112,839,304, plus strand): 5'-ATACGTCCACACCTTCATCTAATGCCAAGAGGCAGAATCAGCTCCATCCAAGTTCTGCAC[A>G]GAGTAGAAGTGGTCAGCCTCAAAAGGCTGCCACTTGCAAAGTTTCTTCTATTAACCAAGA-3'
Protein context (NP_000029.2, residues 1227-1247): RQNQLHPSSA[Gln1237Arg]SRSGQPQKAA

ClinVar aggregate classification (germline): Uncertain significance. Review status: criteria provided, multiple submitters, no conflicts (2 of 4 stars). 2 submissions from 2 submitters: Uncertain significance (2). Last evaluated 2023-12-05.

Conditions:
Hereditary cancer-predisposing syndrome. Also called: Hereditary Cancer Syndrome; Neoplastic Syndromes, Hereditary; Tumor predisposition; Hereditary neoplastic syndrome. Identifiers: Orphanet 140162, MedGen C0027672, MeSH D009386, MONDO:0015356.

Submissions (2):

Color Diagnostics, LLC DBA Color Health
Classification: Uncertain significance for Hereditary cancer-predisposing syndrome. Last evaluated: 2023-12-05. Review status: criteria provided, single submitter. Criteria: ACMG Guidelines, 2015. Collection method: clinical testing. Allele origin: germline.
Comment: This missense variant replaces glutamine with arginine at codon 1237 of the APC protein. Computational prediction suggests that this variant may not impact protein structure and function (internally defined REVEL score threshold <= 0.5, PMID: 27666373). To our knowledge, functional studies have not been reported for this variant. This variant has not been reported in individuals affected with APC-related disorders in the literature. This variant has not been identified in the general population by the Genome Aggregation Database (gnomAD). The available evidence is insufficient to determine the role of this variant in disease conclusively. Therefore, this variant is classified as a Variant of Uncertain Significance.

Ambry Genetics
Classification: Uncertain significance for Hereditary cancer-predisposing syndrome. Last evaluated: 2023-10-22. Review status: criteria provided, single submitter. Criteria: Ambry Variant Classification Scheme 2023. Collection method: clinical testing. Allele origin: germline.
Comment: The p.Q1237R variant (also known as c.3710A>G), located in coding exon 15 of the APC gene, results from an A to G substitution at nucleotide position 3710. The glutamine at codon 1237 is replaced by arginine, an amino acid with highly similar properties. This amino acid position is conserved. In addition, in silico predictors for this gene do not accurately predict pathogenicity. Since supporting evidence is limited at this time, the clinical significance of this alteration remains unclear.